The following is an entry in ClinVar:

ClinVar aggregate classification (germline): Uncertain significance (1 of 4 stars; one submission).

Submission:

Women's Health and Genetics/Laboratory Corporation of America, LabCorp
Classification: Uncertain significance. Last evaluated: 2024-08-21. Review status: criteria provided, single submitter. Criteria: LabCorp Variant Classification Summary - May 2015. Collection method: clinical testing. Allele origin: germline.
Comment: Variant summary: ACADS c.409C>G (p.Gln137Glu) results in a conservative amino acid change located in the Acyl-CoA dehydrogenase/oxidase, N-terminal (IPR013786) of the encoded protein sequence. Four of five in-silico tools predict a benign effect of the variant on protein function. The variant allele was found at a frequency of 3.2e-05 in 251298 control chromosomes. The available data on variant occurrences in the general population are insufficient to allow any conclusion about variant significance. To our knowledge, no occurrence of c.409C>G in individuals affected with Deficiency Of Butyryl-CoA Dehydrogenase and no experimental evidence demonstrating its impact on protein function have been reported. No submitters have cited clinical-significance assessments for this variant to ClinVar. Based on the evidence outlined above, the variant was classified as uncertain significance.

NM_000017.4(ACADS):c.409C>G (p.Gln137Glu)

Gene: ACADS (acyl-CoA dehydrogenase short chain; plus strand). Cytogenetic location: 12q24.31.
Variant type: single nucleotide variant.
Coding change: c.409C>G on transcript NM_000017.4 (MANE Select); coding-DNA position 409, C replaced by G.
Protein change: p.Gln137Glu; replaces glutamine 137 with glutamic acid.
Molecular consequence: missense variant.
Genome position (GRCh38, 1-based): chr12:120,737,404, C>G. VCF-style: chr12-120737404-C-G. GRCh37 (hg19) VCF-style: chr12-121175207-C-G.
Other names: c.409C>G, p.Gln137Glu (NM_001302554.2); short protein forms Q137E.
Identifiers: ClinVar variation 3366683 (VCV003366683.1).
Genomic context (GRCh38, chr12:120,737,404, plus strand): 5'-CTGTCCTCCTAGTCTCTCTACCTGGGGCCCATCTTGAAGTTTGGCTCCAAGGAGCAGAAG[C>G]AGGCGTGGGTCACGCCTTTCACCAGTGGTGACAAAATTGGCTGCTTTGCCCTCAGCGAAC-3'
Protein context (NP_000008.1, residues 127-147): ILKFGSKEQK[Gln137Glu]AWVTPFTSGD